The following is an entry in ClinVar:

NM_198253.3(TERT):c.-57del

Genes: TERT (telomerase reverse transcriptase; minus strand), LOC110806263 (TERT 5' regulatory region; plus strand). Cytogenetic location: 5p15.33.
Variant type: Deletion.
Coding change: c.-57del on transcript NM_198253.3 (MANE Select); 57 bases upstream of the start codon, one base deleted (A; older notation c.-57delA).
Molecular consequence: 5 prime UTR variant. On other transcripts: non-coding transcript variant (2).
Genome position (GRCh38, 1-based): chr5:1,295,046, T deleted on the plus strand (A on the coding strand, the reverse complement: TERT is on the minus strand). VCF-style (leftmost placement, unchanged base first): chr5-1295045-CT-C. GRCh37 (hg19) VCF-style: chr5-1295160-CT-C.
Other names: c.-57del (NM_001193376.3).
Identifiers: ClinVar variation 1041593 (VCV001041593.9), dbSNP rs1751310344, ClinGen allele CA1522559385.

ClinVar aggregate classification (germline): Uncertain significance (1 of 4 stars; one submission).

Conditions:
Dyskeratosis congenita, autosomal dominant 2. Identifiers: MedGen C3151443, MONDO:0013521, OMIM 613989.
Idiopathic Pulmonary Fibrosis. Also called: Idiopathic fibrosing alveolitis, chronic form; idiopathic fibrosing alveolitis. Identifiers: Orphanet 2032, MedGen C1800706, MeSH D054990, MONDO:0800504.

Submission:

Labcorp Genetics (formerly Invitae), Labcorp
Classification: Uncertain significance for Dyskeratosis congenita, autosomal dominant 2; Idiopathic Pulmonary Fibrosis. Last evaluated: 2024-05-20. Review status: criteria provided, single submitter. Criteria: Invitae Variant Classification Sherloc (09022015). Collection method: clinical testing. Allele origin: germline.
Comment: This variant occurs in a non-coding region of the TERT gene. It does not change the encoded amino acid sequence of the TERT protein. This variant is not present in population databases (gnomAD no frequency). This variant has not been reported in the literature in individuals affected with TERT-related conditions. ClinVar contains an entry for this variant (Variation ID: 1041593). Experimental studies and prediction algorithms are not available or were not evaluated, and the functional significance of this variant is currently unknown. In summary, the available evidence is currently insufficient to determine the role of this variant in disease. Therefore, it has been classified as a Variant of Uncertain Significance.